The following is an entry in ClinVar:

ClinVar aggregate classification (germline): Uncertain significance (1 of 4 stars; one submission).

Conditions:
Hereditary breast ovarian cancer syndrome. Also called: Breast and ovarian cancer; Hereditary breast and ovarian cancer syndrome; BRCA1- and BRCA2-Associated Hereditary Breast and Ovarian Cancer; Hereditary breast and ovarian cancer syndrome (HBOC); Hereditary breast and/or ovarian cancer syndrome; Hereditary breast and ovarian cancer. Identifiers: Orphanet 145, MedGen C0677776, MeSH D061325, MONDO:0003582. Disease mechanism: loss of function.

Submission:

Labcorp Genetics (formerly Invitae), Labcorp
Classification: Uncertain significance for Hereditary breast ovarian cancer syndrome. Last evaluated: 2022-05-27. Review status: criteria provided, single submitter. Criteria: Invitae Variant Classification Sherloc (09022015). Collection method: clinical testing. Allele origin: germline.
Comment: In summary, the available evidence is currently insufficient to determine the role of this variant in disease. Therefore, it has been classified as a Variant of Uncertain Significance. Advanced modeling of protein sequence and biophysical properties (such as structural, functional, and spatial information, amino acid conservation, physicochemical variation, residue mobility, and thermodynamic stability) performed at Invitae indicates that this missense variant is not expected to disrupt BRCA2 protein function. This variant has not been reported in the literature in individuals affected with BRCA2-related conditions. This variant is not present in population databases (gnomAD no frequency). This sequence change replaces aspartic acid, which is acidic and polar, with asparagine, which is neutral and polar, at codon 2566 of the BRCA2 protein (p.Asp2566Asn).

NM_000059.4(BRCA2):c.7696G>A (p.Asp2566Asn)

Gene: BRCA2 (BRCA2 DNA repair associated; plus strand). Cytogenetic location: 13q13.1.
Variant type: single nucleotide variant.
Coding change: c.7696G>A on transcript NM_000059.4 (MANE Select); coding-DNA position 7696, G replaced by A.
Protein change: p.Asp2566Asn; replaces aspartic acid 2566 with asparagine.
Molecular consequence: missense variant.
Genome position (GRCh38, 1-based): chr13:32,357,820, G>A. VCF-style: chr13-32357820-G-A. GRCh37 (hg19) VCF-style: chr13-32931957-G-A.
Other names: c.7600G>A, p.Asp2534Asn (NM_001406719.1); c.7696G>A, p.Asp2566Asn (NM_001406720.1); c.2764G>A, p.Asp922Asn (NM_001406721.1); c.1279G>A, p.Asp427Asn (NM_001406722.1); short protein forms D2566N, D427N, D2534N, D922N.
Identifiers: ClinVar variation 1999728 (VCV001999728.4), dbSNP rs80358996, ClinGen allele CA387745208.